The following is an entry in ClinVar:

ClinVar aggregate classification (germline): Uncertain significance (1 of 4 stars; one submission).

gnomAD v4.1: 4 of 1,609,452 alleles (0.00025%); highest among the groups gnomAD compares: Non-Finnish European, 0.00034%; no homozygotes.

Submission:

GeneDx
Classification: Uncertain significance. Last evaluated: 2022-03-20. Review status: criteria provided, single submitter. Criteria: GeneDx Variant Classification Process June 2021. Collection method: clinical testing. Allele origin: germline. Affected: yes.
Comment: Not observed at significant frequency in large population cohorts (gnomAD); Nonsense variant predicted to result in protein truncation or nonsense mediated decay in a gene or region of a gene for which loss of function is not a well-established mechanism of disease; Has not been previously published as pathogenic or benign to our knowledge; Variants in candidate genes are classified as variants of uncertain significance in accordance with ACMG guidelines (Richards et al., 2015)

NM_015030.2(FRYL):c.6382C>T (p.Arg2128Ter)

Gene: FRYL (FRY like transcription coactivator; minus strand). Cytogenetic location: 4p11.
Variant type: single nucleotide variant.
Coding change: c.6382C>T on transcript NM_015030.2 (MANE Select); coding-DNA position 6382, C replaced by T.
Protein change: p.Arg2128Ter; replaces arginine 2128 with a stop codon.
Molecular consequence: nonsense.
Genome position (GRCh38, 1-based): chr4:48,539,982, G>A on the plus strand (C>T on the coding strand, the complement: FRYL is on the minus strand). VCF-style: chr4-48539982-G-A. GRCh37 (hg19) VCF-style: chr4-48541999-G-A.
Other names: short protein forms R2128*.
Identifiers: ClinVar variation 3342465 (VCV003342465.1).
Genomic context (GRCh38, chr4:48,539,982, plus strand): 5'-ACAAAATAATTTCCCTATAGTGTTACCTTTCAGCATAACATTTGCTTACCTTTGCTATTC[G>A]ACTAGCTGTTTCTTTGCAAAACTGAGTTGGGCTGTCAAAATGCTGGATTAAGTGAGGCAA-3'